The following is an entry in ClinVar:

NM_078470.6(COX15):c.27G>C (p.Leu9Phe)

Genes: COX15 (cytochrome c oxidase assembly factor COX15; minus strand), LOC130004506 (ATAC-STARR-seq lymphoblastoid active region 3872; plus strand). Cytogenetic location: 10q24.2.
Variant type: single nucleotide variant.
Coding change: c.27G>C on transcript NM_078470.6 (MANE Select); coding-DNA position 27, G replaced by C.
Protein change: p.Leu9Phe; replaces leucine 9 with phenylalanine.
Molecular consequence: missense variant. On other transcripts: 5 prime UTR variant (1), non-coding transcript variant (1).
Genome position (GRCh38, 1-based): chr10:99,732,023, C>G on the plus strand (G>C on the coding strand, the complement: COX15 is on the minus strand). VCF-style: chr10-99732023-C-G. GRCh37 (hg19) VCF-style: chr10-101491780-C-G.
Other names: c.-428G>C (NM_001320976.2); c.27G>C, p.Leu9Phe (NM_001372024.1, NM_001372025.1, NM_001372026.1 and 5 more transcripts); short protein forms L9F.
Identifiers: ClinVar variation 1490250 (VCV001490250.6), dbSNP rs2133648434, ClinGen allele CA378091015.

ClinVar aggregate classification (germline): Uncertain significance (1 of 4 stars; one submission).

Submission:

Labcorp Genetics (formerly Invitae), Labcorp
Classification: Uncertain significance. Last evaluated: 2024-08-12. Review status: criteria provided, single submitter. Criteria: Invitae Variant Classification Sherloc (09022015). Collection method: clinical testing. Allele origin: germline.
Comment: This sequence change replaces leucine, which is neutral and non-polar, with phenylalanine, which is neutral and non-polar, at codon 9 of the COX15 protein (p.Leu9Phe). This variant is not present in population databases (gnomAD no frequency). This variant has not been reported in the literature in individuals affected with COX15-related conditions. ClinVar contains an entry for this variant (Variation ID: 1490250). An algorithm developed to predict the effect of missense changes on protein structure and function outputs the following: PolyPhen-2: "Benign". The phenylalanine amino acid residue is found in multiple mammalian species, which suggests that this missense change does not adversely affect protein function. In summary, the available evidence is currently insufficient to determine the role of this variant in disease. Therefore, it has been classified as a Variant of Uncertain Significance.